The following is an entry in ClinVar:

ClinVar aggregate classification (germline): Likely benign (1 of 4 stars; one submission).

Conditions:
NTRK1-related disorder. Also called: NTRK1-related condition.

gnomAD v4.1: 265 of 1,600,398 alleles (0.017%); highest among the groups gnomAD compares: Non-Finnish European, 0.022%; 1 homozygote.

Submission:

PreventionGenetics, part of Exact Sciences
Classification: Likely benign for NTRK1-related condition. Last evaluated: 2026-03-23. Review status: criteria provided, single submitter. Criteria: ACMG Guidelines, 2015. Collection method: clinical testing. Allele origin: germline.
Comment: This variant is classified as likely benign based on ACMG/AMP sequence variant interpretation guidelines (Richards et al. 2015 PMID: 25741868, with internal and published modifications).

NM_002529.4(NTRK1):c.*4G>T

Gene: NTRK1 (neurotrophic receptor tyrosine kinase 1; plus strand). Cytogenetic location: 1q23.1.
Variant type: single nucleotide variant.
Coding change: c.*4G>T on transcript NM_002529.4 (MANE Select); 4 bases downstream of the stop codon, G replaced by T.
Molecular consequence: 3 prime UTR variant.
Genome position (GRCh38, 1-based): chr1:156,881,646, G>T. VCF-style: chr1-156881646-G-T. GRCh37 (hg19) VCF-style: chr1-156851438-G-T.
Other names: c.*4G>T (NM_001007792.1, NM_001012331.2).
Identifiers: ClinVar variation 4981698 (VCV004981698.1).
Genomic context (GRCh38, chr1:156,881,646, plus strand): 5'-GCCCGGCTGCAAGCCCTGGCCCAGGCACCTCCTGTCTACCTGGATGTCCTGGGCTAGGGG[G>T]CCGGCCCAGGGGCTGGGAGTGGTTAGCCGGAATACTGGGGCCTGCCCTCAGCATCCCCCA-3'